The following is an entry in ClinVar:

ClinVar aggregate classification (germline): Conflicting classifications of pathogenicity. Review status: criteria provided, conflicting classifications (1 of 4 stars). 2 submissions from 2 submitters: Uncertain significance (1); Likely benign (1). Last evaluated 2025-01-07.

Conditions:
Hereditary hemorrhagic telangiectasia (HHT). Also called: ORW DISEASE; Osler Weber Rendu syndrome; OSLER-RENDU-WEBER DISEASE; Osler hemorrhagic telangiectasia syndrome. Identifiers: Orphanet 774, MedGen C0039445, MONDO:0019180. Disease mechanism: loss of function.
Telangiectasia, hereditary hemorrhagic, type 1 (HHT1). Also called: Osler Weber Rendu syndrome type 1; ENG-Related Hereditary Hemorrhagic Telangiectasia. Identifiers: Orphanet 774, MedGen C4551861, MONDO:0008535, OMIM 187300. Disease mechanism: loss of function.

Allele frequency attached by ClinVar (database versions not stated): gnomAD 0.00003; TOPMed 0.00003; gnomAD exomes 0.00008.
gnomAD v4.1: 97 of 1,364,842 alleles (0.0071%); highest among the groups gnomAD compares: Non-Finnish European, 0.0092%; no homozygotes.

Submissions (2):

Labcorp Genetics (formerly Invitae), Labcorp
Classification: Uncertain significance for Hereditary hemorrhagic telangiectasia. Last evaluated: 2025-01-07. Review status: criteria provided, single submitter. Criteria: Invitae Variant Classification Sherloc (09022015). Collection method: clinical testing. Allele origin: germline.
Comment: This variant occurs in a non-coding region of the ENG gene. It does not change the encoded amino acid sequence of the ENG protein. This variant is present in population databases (no rsID available, gnomAD 0.007%). This variant has not been reported in the literature in individuals affected with ENG-related conditions. ClinVar contains an entry for this variant (Variation ID: 439645). In summary, the available evidence is currently insufficient to determine the role of this variant in disease. Therefore, it has been classified as a Variant of Uncertain Significance.

ARUP Laboratories, Molecular Genetics and Genomics, ARUP Laboratories
Classification: Likely benign for Telangiectasia, hereditary hemorrhagic, type 1. Last evaluated: 2020-04-17. Review status: criteria provided, single submitter. Criteria: ARUP Molecular Germline Variant Investigation Process. Collection method: clinical testing. Allele origin: germline.

NM_001114753.3(ENG):c.-98G>A

Gene: ENG (endoglin; minus strand). Cytogenetic location: 9q34.11.
Variant type: single nucleotide variant.
Coding change: c.-98G>A on transcript NM_001114753.3 (MANE Select); 98 bases upstream of the start codon, G replaced by A.
Molecular consequence: 5 prime UTR variant.
Genome position (GRCh38, 1-based): chr9:127,854,453, C>T on the plus strand (G>A on the coding strand, the complement: ENG is on the minus strand). VCF-style: chr9-127854453-C-T. GRCh37 (hg19) VCF-style: chr9-130616732-C-T.
Other names: c.-98G>A (NM_000118.4, NM_001406715.1).
Identifiers: ClinVar variation 439645 (VCV000439645.11), dbSNP rs923040659, ClinGen allele CA200326824.